The following is an entry in ClinVar:

ClinVar aggregate classification (germline): Uncertain significance (1 of 4 stars; one submission).

Allele frequency attached by ClinVar (database versions not stated): TOPMed below 0.00001; gnomAD exomes 0.00001.

Submission:

Labcorp Genetics (formerly Invitae), Labcorp
Classification: Uncertain significance. Last evaluated: 2022-05-28. Review status: criteria provided, single submitter. Criteria: Invitae Variant Classification Sherloc (09022015). Collection method: clinical testing. Allele origin: germline.
Comment: This sequence change replaces methionine, which is neutral and non-polar, with threonine, which is neutral and polar, at codon 1983 of the ASPM protein (p.Met1983Thr). This variant is not present in population databases (gnomAD no frequency). This variant has not been reported in the literature in individuals affected with ASPM-related conditions. Algorithms developed to predict the effect of missense changes on protein structure and function are either unavailable or do not agree on the potential impact of this missense change (SIFT: "Deleterious"; PolyPhen-2: "Benign"; Align-GVGD: "Class C0"). In summary, the available evidence is currently insufficient to determine the role of this variant in disease. Therefore, it has been classified as a Variant of Uncertain Significance.

NM_018136.5(ASPM):c.5948T>C (p.Met1983Thr)

Gene: ASPM (assembly factor for spindle microtubules; minus strand). Cytogenetic location: 1q31.3.
Variant type: single nucleotide variant.
Coding change: c.5948T>C on transcript NM_018136.5 (MANE Select); coding-DNA position 5948, T replaced by C.
Protein change: p.Met1983Thr; replaces methionine 1983 with threonine.
Molecular consequence: missense variant. On other transcripts: intron variant (1).
Genome position (GRCh38, 1-based): chr1:197,103,303, A>G on the plus strand (T>C on the coding strand, the complement: ASPM is on the minus strand). VCF-style: chr1-197103303-A-G. GRCh37 (hg19) VCF-style: chr1-197072433-A-G.
Other names: c.4066-7139T>C (NM_001206846.2); short protein forms M1983T.
Identifiers: ClinVar variation 1918377 (VCV001918377.2), dbSNP rs1657266692, ClinGen allele CA344024011.